The following is an entry in ClinVar:

ClinVar aggregate classification (germline): Uncertain significance. Review status: criteria provided, multiple submitters, no conflicts (2 of 4 stars). 2 submissions from 2 submitters: Uncertain significance (2). Last evaluated 2019-10-01.

Conditions:
Autosomal recessive limb-girdle muscular dystrophy type 2J (LGMDR10). Also called: Limb-girdle muscular dystrophy, type 2J; MUSCULAR DYSTROPHY, LIMB-GIRDLE, AUTOSOMAL RECESSIVE 10. Identifiers: Orphanet 140922, MedGen C1837342, MONDO:0012127, OMIM 608807.
Dilated cardiomyopathy 1G (CMD1G). Identifiers: Orphanet 154, MedGen C1858763, MONDO:0011400, OMIM 604145.
Cardiovascular phenotype. Identifiers: MedGen CN230736.

Allele frequency attached by ClinVar (database versions not stated): ExAC 0.00001; gnomAD exomes 0.00001 and 0.00002; gnomAD 0.00003 and 0.00004; TOPMed 0.00003; ESP Exome Variant Server 0.00017.
gnomAD v4.1: 30 of 1,610,920 alleles (0.0019%); highest among the groups gnomAD compares: African/African-American, 0.0027%; no homozygotes.

Submissions (2):

Ambry Genetics
Classification: Uncertain significance for Cardiovascular phenotype. Last evaluated: 2019-10-01. Review status: criteria provided, single submitter. Criteria: Ambry Variant Classification Scheme 2023. Collection method: clinical testing. Allele origin: germline.
Comment: The p.Y13802H variant (also known as c.41404T>C), located in coding exon 150 of the TTN gene, results from a T to C substitution at nucleotide position 41404. The tyrosine at codon 13802 is replaced by histidine, an amino acid with similar properties. This amino acid position is highly conserved in available vertebrate species. In addition, this alteration is predicted to be tolerated by in silico analysis. Since supporting evidence is limited at this time, the clinical significance of this alteration remains unclear.

Labcorp Genetics (formerly Invitae), Labcorp
Classification: Uncertain significance for Dilated cardiomyopathy 1G; Autosomal recessive limb-girdle muscular dystrophy type 2J. Last evaluated: 2017-12-19. Review status: criteria provided, single submitter. Criteria: Invitae Variant Classification Sherloc (09022015). Collection method: clinical testing. Allele origin: germline.

NM_001267550.2(TTN):c.68599T>C (p.Tyr22867His)

Genes: TTN (titin; minus strand), TTN-AS1 (TTN antisense RNA 1; plus strand). Cytogenetic location: 2q31.2.
Variant type: single nucleotide variant.
Coding change: c.68599T>C on transcript NM_001267550.2 (MANE Select); coding-DNA position 68599, T replaced by C.
Protein change: p.Tyr22867His; replaces tyrosine 22867 with histidine.
Molecular consequence: missense variant.
Genome position (GRCh38, 1-based): chr2:178,577,827, A>G on the plus strand (T>C on the coding strand, the complement: TTN is on the minus strand). VCF-style: chr2-178577827-A-G. GRCh37 (hg19) VCF-style: chr2-179442554-A-G.
Other names: c.63676T>C, p.Tyr21226His (NM_001256850.1); c.41404T>C, p.Tyr13802His (NM_003319.4); c.60895T>C, p.Tyr20299His (NM_133378.4); c.41779T>C, p.Tyr13927His (NM_133432.3); c.41980T>C, p.Tyr13994His (NM_133437.4); short protein forms Y22867H, Y13927H, Y21226H, Y13802H, Y20299H, Y13994H.
Identifiers: ClinVar variation 535452 (VCV000535452.5), dbSNP rs368484355, ClinGen allele CA1991067.